The following is an entry in ClinVar:

ClinVar aggregate classification (germline): Uncertain significance. Review status: criteria provided, single submitter (1 of 4 stars). 2 submissions from 2 submitters: Uncertain significance (1). 1 of the submissions does not count toward it. Last evaluated 2022-04-14.

Conditions:
Sanfilippo syndrome. Also called: Mucopolysaccharidosis Type III; Sanfilippo disease; Mucopolysaccharidosis type 3. Identifiers: Orphanet 581, MedGen C0026706, MONDO:0018937.
Mucopolysaccharidosis, MPS-III-D (MPS3D). Also called: N-ACETYLGLUCOSAMINE-6-SULFATASE DEFICIENCY; SANFILIPPO SYNDROME D; MPS IIID (Sanfilippo Syndrome Type D); MPS III D; Mucopoly-saccharidosis type 3D; N-acetylglucosamine-6-sulfate sulfatase deficiency. Identifiers: Orphanet 581, Orphanet 79272, MedGen C0086650, MONDO:0009658, OMIM 252940.

Allele frequency attached by ClinVar (database versions not stated): TOPMed below 0.00001.

Submissions (2):

Labcorp Genetics (formerly Invitae), Labcorp
Classification: Uncertain significance for Mucopolysaccharidosis, MPS-III-D. Last evaluated: 2022-04-14. Review status: criteria provided, single submitter. Criteria: Invitae Variant Classification Sherloc (09022015). Collection method: clinical testing. Allele origin: germline.
Comment: This sequence change replaces asparagine, which is neutral and polar, with histidine, which is basic and polar, at codon 48 of the GNS protein (p.Asn48His). In summary, the available evidence is currently insufficient to determine the role of this variant in disease. Therefore, it has been classified as a Variant of Uncertain Significance. Algorithms developed to predict the effect of missense changes on protein structure and function are either unavailable or do not agree on the potential impact of this missense change (SIFT: "Tolerated"; PolyPhen-2: "Probably Damaging"; Align-GVGD: "Class C0"). This variant has not been reported in the literature in individuals affected with GNS-related conditions. This variant is not present in population databases (gnomAD no frequency).

Natera, Inc.
Classification: Uncertain significance for Sanfilippo disease. Last evaluated: 2025-04-12. Review status: no assertion criteria provided. Collection method: clinical testing. Allele origin: germline. Not counted in ClinVar's aggregate classification.

NM_002076.4(GNS):c.142A>C (p.Asn48His)

Gene: GNS (glucosamine (N-acetyl)-6-sulfatase; minus strand). Cytogenetic location: 12q14.3.
Variant type: single nucleotide variant.
Coding change: c.142A>C on transcript NM_002076.4 (MANE Select); coding-DNA position 142, A replaced by C.
Protein change: p.Asn48His; replaces asparagine 48 with histidine.
Molecular consequence: missense variant.
Genome position (GRCh38, 1-based): chr12:64,759,135, T>G on the plus strand (A>C on the coding strand, the complement: GNS is on the minus strand). VCF-style: chr12-64759135-T-G. GRCh37 (hg19) VCF-style: chr12-65152915-T-G.
Other names: c.142A>C (NM_002076.3); short protein forms N48H.
Identifiers: ClinVar variation 1903033 (VCV001903033.6), dbSNP rs1870384944, ClinGen allele CA385613033.